The following is an entry in ClinVar:

NM_001277115.2(DNAH11):c.6683+2T>A

Gene: DNAH11 (dynein axonemal heavy chain 11; plus strand). Cytogenetic location: 7p15.3.
Variant type: single nucleotide variant.
Coding change: c.6683+2T>A on transcript NM_001277115.2 (MANE Select); the canonical splice donor site of the intron after coding-DNA position 6683, T replaced by A.
Molecular consequence: splice donor variant.
Genome position (GRCh38, 1-based): chr7:21,707,837, T>A. VCF-style: chr7-21707837-T-A. GRCh37 (hg19) VCF-style: chr7-21747455-T-A.
Identifiers: ClinVar variation 1754863 (VCV001754863.2), dbSNP rs2534977300, ClinGen allele CA366939200.

ClinVar aggregate classification (germline): Uncertain significance (1 of 4 stars; one submission).

Conditions:
Primary ciliary dyskinesia. Also called: Ciliary dyskinesia. Identifiers: Orphanet 244, MedGen C0008780, MONDO:0016575, HP:0012265.

Submission:

Ambry Genetics
Classification: Uncertain significance for Primary ciliary dyskinesia. Last evaluated: 2021-05-14. Review status: criteria provided, single submitter. Criteria: Ambry Variant Classification Scheme 2023. Collection method: clinical testing. Allele origin: germline.
Comment: The c.6683+2T>A intronic variant results from a T to A substitution two nucleotides after coding exon 40 in the DNAH11 gene. Alterations that disrupt the canonical splice site are expected to result in aberrant splicing. In silico splice site analysis for this alteration is inconclusive. The resulting transcript is predicted to be in-frame and is not expected to trigger nonsense-mediated mRNAdecay; however, direct evidence is unavailable. The exact functional effect of the altered nucleotide is unknown. This nucleotide position is well conserved in available vertebrate species. Since supporting evidence is limited at this time, the clinical significance of this alteration remains unclear.